The following is an entry in ClinVar:

NM_015599.3(PGM3):c.1281A>T (p.Glu427Asp)

Gene: PGM3 (phosphoglucomutase 3; minus strand). Cytogenetic location: 6q14.1.
Variant type: single nucleotide variant.
Coding change: c.1281A>T on transcript NM_015599.3 (MANE Select); coding-DNA position 1281, A replaced by T.
Protein change: p.Glu427Asp; replaces glutamic acid 427 with aspartic acid.
Molecular consequence: missense variant. On other transcripts: non-coding transcript variant (1), intron variant (1).
Genome position (GRCh38, 1-based): chr6:83,172,021, T>A on the plus strand (A>T on the coding strand, the complement: PGM3 is on the minus strand). VCF-style: chr6-83172021-T-A. GRCh37 (hg19) VCF-style: chr6-83881740-T-A.
Other names: c.1365A>T, p.Glu455Asp (NM_001199917.2, NM_001367287.1); c.1038A>T, p.Glu346Asp (NM_001199918.2); c.1281A>T, p.Glu427Asp (NM_001199919.2); c.1243-1543A>T (NM_001367286.1); short protein forms E346D, E455D, E427D.
Identifiers: ClinVar variation 4772857 (VCV004772857.1).
Genomic context (GRCh38, chr6:83,172,021, plus strand): 5'-AAGATCTGTATAGAGAGCATCCCACTGTTGTACAGTCAAGCCCTTCAGAGCCAAGATTGC[T>A]TCAATCACCAGCATGTCAGAAATAGCATCACCAGCTGCCTGCAAATGGGGAAACAAATGG-3'
Protein context (NP_056414.1, residues 417-437): GDAISDMLVI[Glu427Asp]AILALKGLTV

ClinVar aggregate classification (germline): Uncertain significance (1 of 4 stars; one submission).

Conditions:
Immunodeficiency 23 (IMD23). Also called: IMMUNODEFICIENCY WITH HYPER IgE AND COGNITIVE IMPAIRMENT; IMMUNODEFICIENCY-VASCULITIS-MYOCLONUS SYNDROME. Identifiers: Orphanet 443811, MedGen C4014371, MONDO:0014353, OMIM 615816.

Submission:

Labcorp Genetics (formerly Invitae), Labcorp
Classification: Uncertain significance for Immunodeficiency 23. Last evaluated: 2025-08-24. Review status: criteria provided, single submitter. Criteria: Invitae Variant Classification Sherloc (09022015). Collection method: clinical testing. Allele origin: germline.
Comment: This sequence change replaces glutamic acid, which is acidic and polar, with aspartic acid, which is acidic and polar, at codon 455 of the PGM3 protein (p.Glu455Asp). This variant is not present in population databases (gnomAD no frequency). This variant has not been reported in the literature in individuals affected with PGM3-related conditions. An algorithm developed to predict the effect of missense changes on protein structure and function (PolyPhen-2) suggests that this variant is likely to be disruptive. In summary, the available evidence is currently insufficient to determine the role of this variant in disease. Therefore, it has been classified as a Variant of Uncertain Significance.